The following is an entry in ClinVar:

ClinVar aggregate classification (germline): Uncertain significance (1 of 4 stars; one submission).

gnomAD v4.1: 1 of 1,605,134 alleles (0.000062%); highest among the groups gnomAD compares: Admixed American, 0.0017%; no homozygotes.

Submission:

GeneDx
Classification: Uncertain significance. Last evaluated: 2023-06-13. Review status: criteria provided, single submitter. Criteria: GeneDx Variant Classification Process June 2021. Collection method: clinical testing. Allele origin: germline. Affected: yes.
Comment: Not observed at significant frequency in large population cohorts (gnomAD); In silico analysis supports that this missense variant has a deleterious effect on protein structure/function; Has not been previously published as pathogenic or benign to our knowledge

NM_002430.3(MN1):c.1348T>A (p.Tyr450Asn)

Gene: MN1 (MN1 proto-oncogene, transcriptional regulator; minus strand). Cytogenetic location: 22q12.1.
Variant type: single nucleotide variant.
Coding change: c.1348T>A on transcript NM_002430.3 (MANE Select); coding-DNA position 1348, T replaced by A.
Protein change: p.Tyr450Asn; replaces tyrosine 450 with asparagine.
Molecular consequence: missense variant.
Genome position (GRCh38, 1-based): chr22:27,799,196, A>T on the plus strand (T>A on the coding strand, the complement: MN1 is on the minus strand). VCF-style: chr22-27799196-A-T. GRCh37 (hg19) VCF-style: chr22-28195184-A-T.
Other names: short protein forms Y450N.
Identifiers: ClinVar variation 3359847 (VCV003359847.1).